The following is an entry in ClinVar:

ClinVar aggregate classification (germline): Uncertain significance (1 of 4 stars; one submission).

Submission:

Ambry Genetics
Classification: Uncertain significance. Last evaluated: 2022-08-11. Review status: criteria provided, single submitter. Criteria: Ambry Variant Classification Scheme 2023. Collection method: clinical testing. Allele origin: germline.
Comment: The p.A2410V variant (also known as c.7229C>T), located in coding exon 26 of the POLQ gene, results from a C to T substitution at nucleotide position 7229. The alanine at codon 2410 is replaced by valine, an amino acid with similar properties. This amino acid position is conserved. In addition, the in silico prediction for this alteration is inconclusive. Since supporting evidence is limited at this time, the clinical significance of this alteration remains unclear.

NM_199420.4(POLQ):c.7229C>T (p.Ala2410Val)

Gene: POLQ (DNA polymerase theta; minus strand). Cytogenetic location: 3q13.33.
Variant type: single nucleotide variant.
Coding change: c.7229C>T on transcript NM_199420.4 (MANE Select); coding-DNA position 7229, C replaced by T.
Protein change: p.Ala2410Val; replaces alanine 2410 with valine.
Molecular consequence: missense variant.
Genome position (GRCh38, 1-based): chr3:121,449,350, G>A on the plus strand (C>T on the coding strand, the complement: POLQ is on the minus strand). VCF-style: chr3-121449350-G-A. GRCh37 (hg19) VCF-style: chr3-121168197-G-A.
Other names: short protein forms A2410V.
Identifiers: ClinVar variation 1757793 (VCV001757793.2), dbSNP rs2546755925, ClinGen allele CA354102335.
Genomic context (GRCh38, chr3:121,449,350, plus strand): 5'-GAATACTATCTAGAAGATAAATTACCTGTGTATCTGGATTTGAAGGAGTCAATATAGCAT[G>A]CAGCATCATTTTCTTTAATGCCCATCTGCTCTCCCAAAGATTTAGCTCCCATTCCATAAA-3'
Protein context (NP_955452.3, residues 2400-2420): EQMGIKENDA[Ala2410Val]CYIDSFKSRY